The following is an entry in ClinVar:

NM_001003800.2(BICD2):c.725A>G (p.Glu242Gly)

Gene: BICD2 (BICD cargo adaptor 2; minus strand). Cytogenetic location: 9q22.31.
Variant type: single nucleotide variant.
Coding change: c.725A>G on transcript NM_001003800.2 (MANE Select); coding-DNA position 725, A replaced by G.
Protein change: p.Glu242Gly; replaces glutamic acid 242 with glycine.
Molecular consequence: missense variant.
Genome position (GRCh38, 1-based): chr9:92,720,637, T>C on the plus strand (A>G on the coding strand, the complement: BICD2 is on the minus strand). VCF-style: chr9-92720637-T-C. GRCh37 (hg19) VCF-style: chr9-95482919-T-C.
Other names: c.725A>G, p.Glu242Gly (NM_015250.4); short protein forms E242G.
Identifiers: ClinVar variation 474280 (VCV000474280.9), dbSNP rs369298186, ClinGen allele CA196341951.

ClinVar aggregate classification (germline): Uncertain significance (1 of 4 stars; one submission).

Conditions:
Autosomal dominant childhood-onset proximal spinal muscular atrophy with contractures (SMALED2A). Also called: Spinal muscular atrophy, lower extremity-predominant, 2A, autosomal dominant; SPINAL MUSCULAR ATROPHY, LOWER EXTREMITY-PREDOMINANT, 2A, CHILDHOOD ONSET, AUTOSOMAL DOMINANT. Identifiers: Orphanet 363447, Orphanet 363454, MedGen C4747715, MONDO:0014121, OMIM 615290.

Allele frequency attached by ClinVar (database versions not stated): gnomAD exomes below 0.00001; TOPMed below 0.00001; gnomAD 0.00001; ESP Exome Variant Server 0.00008.
gnomAD v4.1: 4 of 1,614,012 alleles (0.00025%); highest among the groups gnomAD compares: Non-Finnish European, 0.00034%; no homozygotes.

Submission:

Labcorp Genetics (formerly Invitae), Labcorp
Classification: Uncertain significance for Autosomal dominant childhood-onset proximal spinal muscular atrophy with contractures. Last evaluated: 2025-12-28. Review status: criteria provided, single submitter. Criteria: Invitae Variant Classification Sherloc (09022015). Collection method: clinical testing. Allele origin: germline.
Comment: This sequence change replaces glutamic acid, which is acidic and polar, with glycine, which is neutral and non-polar, at codon 242 of the BICD2 protein (p.Glu242Gly). This variant is not present in population databases (gnomAD no frequency). This variant has not been reported in the literature in individuals affected with BICD2-related conditions. ClinVar contains an entry for this variant (Variation ID: 474280). Invitae Evidence Modeling of protein sequence and biophysical properties (such as structural, functional, and spatial information, amino acid conservation, physicochemical variation, residue mobility, and thermodynamic stability) indicates that this missense variant is expected to disrupt BICD2 protein function with a positive predictive value of 80%. In summary, the available evidence is currently insufficient to determine the role of this variant in disease. Therefore, it has been classified as a Variant of Uncertain Significance.